The following is an entry in ClinVar:

NM_001085049.3(MRAS):c.23G>C (p.Ser8Thr)

Gene: MRAS (muscle RAS oncogene homolog; plus strand). Cytogenetic location: 3q22.3.
Variant type: single nucleotide variant.
Coding change: c.23G>C on transcript NM_001085049.3 (MANE Select); coding-DNA position 23, G replaced by C.
Protein change: p.Ser8Thr; replaces serine 8 with threonine.
Molecular consequence: missense variant. On other transcripts: intron variant (3).
Genome position (GRCh38, 1-based): chr3:138,372,906, G>C. VCF-style: chr3-138372906-G-C. GRCh37 (hg19) VCF-style: chr3-138091748-G-C.
Other names: c.23G>C, p.Ser8Thr (NM_001252090.2, NM_012219.4); c.-35-24418G>C (NM_001252091.1); c.-36+24139G>C (NM_001252093.2); c.-36+23874G>C (NM_001252092.2); short protein forms S8T.
Identifiers: ClinVar variation 1961451 (VCV001961451.5), dbSNP rs2474071974, ClinGen allele CA354671256.
Genomic context (GRCh38, chr3:138,372,906, plus strand): 5'-CACATGTCTTGCTGCCGCAGGTCTGACCTACGAGAAACATGGCAACCAGCGCCGTCCCCA[G>C]TGACAACCTCCCCACATACAAGCTGGTGGTGGTGGGGGATGGGGGTGTGGGCAAAAGTGC-3'
Protein context (NP_001078518.1, residues 1-18): MATSAVP[Ser8Thr]DNLPTYKLVV

ClinVar aggregate classification (germline): Uncertain significance (1 of 4 stars; one submission).

Allele frequency attached by ClinVar (database versions not stated): gnomAD exomes 0.00001.
gnomAD v4.1: 3 of 1,547,442 alleles (0.00019%); highest among the groups gnomAD compares: Non-Finnish European, 0.00026%; no homozygotes.

Submission:

Labcorp Genetics (formerly Invitae), Labcorp
Classification: Uncertain significance. Last evaluated: 2025-12-18. Review status: criteria provided, single submitter. Criteria: Invitae Variant Classification Sherloc (09022015). Collection method: clinical testing. Allele origin: germline.
Comment: This sequence change replaces serine, which is neutral and polar, with threonine, which is neutral and polar, at codon 8 of the MRAS protein (p.Ser8Thr). This variant is not present in population databases (gnomAD no frequency). This variant has not been reported in the literature in individuals affected with MRAS-related conditions. ClinVar contains an entry for this variant (Variation ID: 1961451). An algorithm developed to predict the effect of missense changes on protein structure and function (PolyPhen-2) suggests that this variant is likely to be tolerated. In summary, the available evidence is currently insufficient to determine the role of this variant in disease. Therefore, it has been classified as a Variant of Uncertain Significance.